The following is an entry in ClinVar:

NM_000063.6(C2):c.1366_1367del (p.Ser456fs)

Gene: C2 (complement C2; plus strand). Cytogenetic location: 6p21.33.
Variant type: Microsatellite.
Coding change: c.1366_1367del on transcript NM_000063.6 (MANE Select); coding-DNA positions 1366 to 1367, 2 bases deleted (TC; older notation c.1366_1367delTC).
Protein change: p.Ser456fs; shifts the reading frame from serine 456.
Molecular consequence: frameshift variant.
Genome position (GRCh38, 1-based): chr6:31,943,230-31,943,231, TC deleted; deleting any 2 consecutive bases within chr6:31,943,228-31,943,231 gives the same sequence; the c. name uses the placement nearest the transcript's 3' end. VCF-style (leftmost placement, unchanged base first): chr6-31943227-GTC-G. GRCh37 (hg19) VCF-style: chr6-31911004-GTC-G.
Other names: c.970_971del, p.Ser324fs (NM_001145903.3); c.724_725del, p.Ser242fs (NM_001178063.3); c.628_629del, p.Ser210fs (NM_001282457.2); c.1279_1280del, p.Ser427fs (NM_001282458.2); short protein forms S210fs, S242fs, S324fs, S427fs, S456fs.
Identifiers: ClinVar variation 4800554 (VCV004800554.1).

ClinVar aggregate classification (germline): Pathogenic (1 of 4 stars; one submission).

Submission:

Labcorp Genetics (formerly Invitae), Labcorp
Classification: Pathogenic. Last evaluated: 2025-12-01. Review status: criteria provided, single submitter. Criteria: Invitae Variant Classification Sherloc (09022015). Collection method: clinical testing. Allele origin: germline.
Comment: This sequence change creates a premature translational stop signal (p.Ser456Glnfs*18) in the C2 gene. It is expected to result in an absent or disrupted protein product. Loss-of-function variants in C2 are known to be pathogenic (PMID: 1577763, 9616367). This variant is not present in population databases (gnomAD no frequency). This variant has not been reported in the literature in individuals affected with C2-related conditions. For these reasons, this variant has been classified as Pathogenic.

Literature cited by the submitters: PubMed 1577763; PubMed 9616367.